The following is an entry in ClinVar:

ClinVar aggregate classification (germline): Uncertain significance. Review status: criteria provided, multiple submitters, no conflicts (2 of 4 stars). 2 submissions from 2 submitters: Uncertain significance (2). Last evaluated 2022-10-25.

Conditions:
Immunodeficiency 18 (IMD18). Also called: CD3-EPSILON DEFICIENCY; CD3epsilon deficiency. Identifiers: MedGen C3810127, MONDO:0014278, OMIM 615615.

Allele frequency attached by ClinVar (database versions not stated): ExAC 0.00001; gnomAD exomes 0.00001 and 0.00005; gnomAD 0.00003 and 0.00004; TOPMed 0.00003.
gnomAD v4.1: 82 of 1,613,990 alleles (0.0051%); highest among the groups gnomAD compares: Non-Finnish European, 0.0064%; no homozygotes.

Submissions (2):

Labcorp Genetics (formerly Invitae), Labcorp
Classification: Uncertain significance for Immunodeficiency 18. Last evaluated: 2022-10-25. Review status: criteria provided, single submitter. Criteria: Invitae Variant Classification Sherloc (09022015). Collection method: clinical testing. Allele origin: germline.
Comment: This sequence change replaces lysine, which is basic and polar, with threonine, which is neutral and polar, at codon 153 of the CD3E protein (p.Lys153Thr). This variant is present in population databases (rs200258299, gnomAD 0.004%). This variant has not been reported in the literature in individuals affected with CD3E-related conditions. ClinVar contains an entry for this variant (Variation ID: 302663). Algorithms developed to predict the effect of missense changes on protein structure and function (SIFT, PolyPhen-2, Align-GVGD) all suggest that this variant is likely to be disruptive. In summary, the available evidence is currently insufficient to determine the role of this variant in disease. Therefore, it has been classified as a Variant of Uncertain Significance.

Illumina Laboratory Services, Illumina
Classification: Uncertain significance for Immunodeficiency 18. Last evaluated: 2018-01-13. Review status: criteria provided, single submitter. Criteria: ICSL Variant Classification Criteria 13 December 2019. Collection method: clinical testing. Allele origin: germline.

NM_000733.4(CD3E):c.458A>C (p.Lys153Thr)

Gene: CD3E (CD3 epsilon subunit of T-cell receptor complex; plus strand). Cytogenetic location: 11q23.3.
Variant type: single nucleotide variant.
Coding change: c.458A>C on transcript NM_000733.4 (MANE Select); coding-DNA position 458, A replaced by C.
Protein change: p.Lys153Thr; replaces lysine 153 with threonine.
Molecular consequence: missense variant.
Genome position (GRCh38, 1-based): chr11:118,313,812, A>C. VCF-style: chr11-118313812-A-C. GRCh37 (hg19) VCF-style: chr11-118184527-A-C.
Other names: short protein forms K153T.
Identifiers: ClinVar variation 302663 (VCV000302663.10), dbSNP rs200258299, ClinGen allele CA6301721.